The following is an entry in ClinVar:

NM_000350.3(ABCA4):c.6817-2A>G

Gene: ABCA4 (ATP binding cassette subfamily A member 4; minus strand). Cytogenetic location: 1p22.1.
Variant type: single nucleotide variant.
Coding change: c.6817-2A>G on transcript NM_000350.3 (MANE Select); the canonical splice acceptor site of the intron before coding-DNA position 6817, A replaced by G.
Molecular consequence: splice acceptor variant.
Genome position (GRCh38, 1-based): chr1:93,993,244, T>C on the plus strand (A>G on the coding strand, the complement: ABCA4 is on the minus strand). VCF-style: chr1-93993244-T-C. GRCh37 (hg19) VCF-style: chr1-94458800-T-C.
Identifiers: ClinVar variation 866510 (VCV000866510.9), dbSNP rs1658918693, ClinGen allele CA341275661.
Genomic context (GRCh38, chr1:93,993,244, plus strand): 5'-CCTCCAGCTGCCCAGAGTTCCTTTCTGGCTGCAGGAACGAGCGGTGTGAAAGATCAGTCC[T>C]GTGGAAGGAGATCACATGGACTCGCGTCATCTTGGTTTTCTGAGATGCTGTACTACTTTT-3'

ClinVar aggregate classification (germline): Pathogenic/Likely pathogenic. Review status: criteria provided, multiple submitters, no conflicts (2 of 4 stars). 3 submissions from 3 submitters: Pathogenic (2); Likely pathogenic (1). Last evaluated 2024-03-29.

Conditions:
ABCA4-related disorder. Also called: ABCA4-related condition; ABCA4-related disorders. Identifiers: MedGen CN239167.
Severe early-childhood-onset retinal dystrophy (STGD1). Also called: Stargardt macular dystrophy; Juvenile onset macular degeneration; Stargardt disease 1; MACULAR DYSTROPHY WITH FLECKS, TYPE 1; STGD. Identifiers: Orphanet 364055, Orphanet 827, MedGen C1855465, MeSH D000080362, MONDO:0009549, OMIM 248200.

gnomAD v4.1: 5 of 1,613,906 alleles (0.00031%); highest among the groups gnomAD compares: Non-Finnish European, 0.00042%; no homozygotes.

Submissions (3):

Genomic Medicine Center of Excellence, King Faisal Specialist Hospital and Research Centre
Classification: Pathogenic for Severe early-childhood-onset retinal dystrophy. Last evaluated: 2024-03-29. Review status: criteria provided, single submitter. Criteria: ACMG Guidelines, 2015. Collection method: clinical testing. Allele origin: germline.

Labcorp Genetics (formerly Invitae), Labcorp
Classification: Pathogenic. Last evaluated: 2023-10-22. Review status: criteria provided, single submitter. Criteria: Invitae Variant Classification Sherloc (09022015). Collection method: clinical testing. Allele origin: germline.
Comment: This sequence change affects an acceptor splice site in intron 49 of the ABCA4 gene. While this variant is not anticipated to result in nonsense mediated decay, it likely alters RNA splicing and results in a disrupted protein product. This variant is not present in population databases (gnomAD no frequency). Disruption of this splice site has been observed in individual(s) with Stargardt disease (PMID: 25312043, 29925512; Invitae). ClinVar contains an entry for this variant (Variation ID: 866510). Variants that disrupt the consensus splice site are a relatively common cause of aberrant splicing (PMID: 17576681, 9536098). Algorithms developed to predict the effect of sequence changes on RNA splicing suggest that this variant may disrupt the consensus splice site. For these reasons, this variant has been classified as Pathogenic.

Blueprint Genetics
Classification: Likely pathogenic for ABCA4-related disorders. Last evaluated: 2023-07-06. Review status: criteria provided, single submitter. Criteria: ACMG Guidelines, 2015. Collection method: clinical testing. Allele origin: germline. Affected: yes. Observed: 2 variant alleles.

Literature cited by the submitters: PubMed 25312043 (cited by Labcorp Genetics (formerly Invitae), Labcorp); PubMed 29925512 (cited by Labcorp Genetics (formerly Invitae), Labcorp); PubMed 17576681 (cited by Labcorp Genetics (formerly Invitae), Labcorp); PubMed 9536098 (cited by Labcorp Genetics (formerly Invitae), Labcorp).